The following is an entry in ClinVar:

NM_018136.5(ASPM):c.2629+4_2629+7del

Gene: ASPM (assembly factor for spindle microtubules; minus strand). Cytogenetic location: 1q31.3.
Variant type: Deletion.
Coding change: c.2629+4_2629+7del on transcript NM_018136.5 (MANE Select); bases 4 to 7 of the intron after coding-DNA position 2629, 4 bases deleted (AGTA; older notation c.2629+4_2629+7delAGTA).
Molecular consequence: splice donor variant.
Genome position (GRCh38, 1-based): chr1:197,129,908-197,129,911, TACT deleted on the plus strand (AGTA on the coding strand, the reverse complement: ASPM is on the minus strand); deleting any 4 consecutive bases within chr1:197,129,908-197,129,914 gives the same sequence; the c. name uses the placement nearest the transcript's 3' end. VCF-style (leftmost placement, unchanged base first): chr1-197129907-ATACT-A. GRCh37 (hg19) VCF-style: chr1-197099037-ATACT-A.
Other names: c.2629+4_2629+7del (NM_001206846.2).
Identifiers: ClinVar variation 1343889 (VCV001343889.2), dbSNP rs1433248622, ClinGen allele CA528280279.

ClinVar aggregate classification (germline): Likely pathogenic (1 of 4 stars; one submission).

Submission:

GeneDx
Classification: Likely pathogenic. Last evaluated: 2022-01-27. Review status: criteria provided, single submitter. Criteria: GeneDx Variant Classification Process June 2021. Collection method: clinical testing. Allele origin: germline. Affected: yes.
Comment: Not observed at significant frequency in large population cohorts (gnomAD); In silico analysis supports a deleterious effect on splicing; Has not been previously published as pathogenic or benign to our knowledge